The following is an entry in ClinVar:

NM_002303.6(LEPR):c.430G>T (p.Val144Leu)

Gene: LEPR (leptin receptor; plus strand). Cytogenetic location: 1p31.3.
Variant type: single nucleotide variant.
Coding change: c.430G>T on transcript NM_002303.6 (MANE Select); coding-DNA position 430, G replaced by T.
Protein change: p.Val144Leu; replaces valine 144 with leucine.
Molecular consequence: missense variant.
Genome position (GRCh38, 1-based): chr1:65,572,385, G>T. VCF-style: chr1-65572385-G-T. GRCh37 (hg19) VCF-style: chr1-66038068-G-T.
Other names: c.430G>T, p.Val144Leu (NM_001003679.3, NM_001003680.3, NM_001198687.2 and 2 more transcripts); c.430G>T (NM_002303.5); short protein forms V144L.
Identifiers: ClinVar variation 393362 (VCV000393362.6), dbSNP rs147667928, ClinGen allele CA894554.
Genomic context (GRCh38, chr1:65,572,385, plus strand): 5'-GATGCAAACTGGAACATACAGTGCTGGCTAAAAGGAGACTTAAAATTATTCATCTGTTAT[G>T]TGGAGTCATTATTTAAGAATCTATTCAGGAATTATAACTATAAGGTCCATCTTTTATATG-3'
Protein context (NP_002294.2, residues 134-154): KGDLKLFICY[Val144Leu]ESLFKNLFRN

ClinVar aggregate classification (germline): Conflicting classifications of pathogenicity. Review status: criteria provided, conflicting classifications (1 of 4 stars). 2 submissions from 2 submitters: Uncertain significance (1); Likely benign (1). Last evaluated 2025-02-21.

Conditions:
LEPR-related disorder. Also called: LEPR-related disorders; LEPR-related condition.
Monogenic diabetes. Identifiers: Orphanet 183625, MedGen C3888631, MONDO:0015967.

Allele frequency attached by ClinVar (database versions not stated): 1000 Genomes Project 30x 0.00016; gnomAD exomes 0.00016 and 0.00039; ExAC 0.00019; 1000 Genomes Project 0.00020; gnomAD 0.00021 and 0.00023; ESP Exome Variant Server 0.00039.
gnomAD v4.1: 532 of 1,444,344 alleles (0.037%); highest among the groups gnomAD compares: Non-Finnish European, 0.045%; no homozygotes.

Submissions (2):

PreventionGenetics, part of Exact Sciences
Classification: Likely benign for LEPR-related condition. Last evaluated: 2025-02-21. Review status: criteria provided, single submitter. Criteria: ACMG Guidelines, 2015. Collection method: clinical testing. Allele origin: germline.
Comment: This variant is classified as likely benign based on ACMG/AMP sequence variant interpretation guidelines (Richards et al. 2015 PMID: 25741868, with internal and published modifications).

Personalized Diabetes Medicine Program, University of Maryland School of Medicine
Classification: Uncertain significance for Monogenic diabetes. Last evaluated: 2015-11-20. Review status: criteria provided, single submitter. Criteria: ACMG Guidelines, 2015. Collection method: research. Allele origin: unknown. Observed: 1 variant allele, 1 heterozygote.
Comment: ACMG Criteria: BP4